The following is an entry in ClinVar:

NM_005313.5(PDIA3):c.858G>A (p.Val286=)

Gene: PDIA3 (protein disulfide isomerase family A member 3; plus strand). Cytogenetic location: 15q15.3.
Variant type: single nucleotide variant.
Coding change: c.858G>A on transcript NM_005313.5 (MANE Select); coding-DNA position 858, G replaced by A.
Protein change: p.Val286=; no amino-acid change (valine 286 retained).
Molecular consequence: synonymous variant.
Genome position (GRCh38, 1-based): chr15:43,766,740, G>A. VCF-style: chr15-43766740-G-A. GRCh37 (hg19) VCF-style: chr15-44058938-G-A.
Identifiers: ClinVar variation 727555 (VCV000727555.5), dbSNP rs112260455, ClinGen allele CA7529767.

ClinVar aggregate classification (germline): Benign. Review status: criteria provided, single submitter (1 of 4 stars). 2 submissions from 2 submitters: Benign (1). 1 of the submissions does not count toward it. Last evaluated 2018-07-31.

Conditions:
PDIA3-related disorder. Also called: PDIA3-related condition.

Allele frequency attached by ClinVar (database versions not stated): gnomAD exomes 0.00034 and 0.00080; ExAC 0.00099; gnomAD 0.00322 and 0.00338; ESP Exome Variant Server 0.00339; TOPMed 0.00349; 1000 Genomes Project 0.00419; 1000 Genomes Project 30x 0.00547.
gnomAD v4.1: 989 of 1,613,760 alleles (0.061%); highest among the groups gnomAD compares: African/African-American, 1.1%; 5 homozygotes.

Submissions (2):

Labcorp Genetics (formerly Invitae), Labcorp
Classification: Benign. Last evaluated: 2018-07-31. Review status: criteria provided, single submitter. Criteria: Invitae Variant Classification Sherloc (09022015). Collection method: clinical testing. Allele origin: germline.

PreventionGenetics, part of Exact Sciences
Classification: Benign for PDIA3-related condition. Last evaluated: 2019-05-28. Review status: no assertion criteria provided. Collection method: clinical testing. Allele origin: germline. Not counted in ClinVar's aggregate classification.
Comment: This variant is classified as benign based on ACMG/AMP sequence variant interpretation guidelines (Richards et al. 2015 PMID: 25741868, with internal and published modifications).